The following is an entry in ClinVar:

ClinVar aggregate classification (germline): Uncertain significance (1 of 4 stars; one submission).

Submission:

GeneDx
Classification: Uncertain significance. Last evaluated: 2015-04-06. Review status: criteria provided, single submitter. Criteria: GeneDx Variant Classification (06012015). Collection method: clinical testing. Allele origin: germline. Affected: yes.
Comment: The c.899_900insT variant in the MAP2K2 gene has not been reported previously as a pathogenic variant nor as a benign polymorphism, to our knowledge. The c.899_900insT variant causes a frameshift starting with codon Glycine 302, changes this amino acid to an Arginine residue and creates a premature Stop codon at position 11 of the new reading frame, denoted p.Gly302ArgfsX11. This variant is predicted to cause loss of normal protein function either through protein truncation or nonsense-mediated mRNA decay. The c.899_900insT variant was not observed in approximately 6,500 individuals of European and African American ancestry in the NHLBI Exome Sequencing Project, indicating it is not a common benign variant in these populations. We interpret c.899_900insT as a variant of unknown significance, which may be related to ptosis, dysmorphic features, and developmental delay.

NM_030662.4(MAP2K2):c.899_900insT (p.Gly302fs)

Gene: MAP2K2 (mitogen-activated protein kinase kinase 2; minus strand). Cytogenetic location: 19p13.3.
Variant type: Insertion.
Coding change: c.899_900insT on transcript NM_030662.4 (MANE Select); coding-DNA positions 899 to 900, T inserted.
Protein change: p.Gly302fs; shifts the reading frame from glycine 302.
Molecular consequence: frameshift variant.
Genome position: GRCh38 VCF-style: chr19-4099220-G-GA. GRCh37 (hg19) VCF-style: chr19-4099218-G-GA.
Other names: short protein forms G302fs.
Identifiers: ClinVar variation 418790 (VCV000418790.2), dbSNP rs1064793436, ClinGen allele CA16620850.